The following is an entry in ClinVar:

NM_004990.4(MARS1):c.2387G>T (p.Gly796Val)

Gene: MARS1 (methionyl-tRNA synthetase 1; plus strand). Cytogenetic location: 12q13.3.
Variant type: single nucleotide variant.
Coding change: c.2387G>T on transcript NM_004990.4 (MANE Select); coding-DNA position 2387, G replaced by T.
Protein change: p.Gly796Val; replaces glycine 796 with valine.
Molecular consequence: missense variant.
Genome position (GRCh38, 1-based): chr12:57,515,332, G>T. VCF-style: chr12-57515332-G-T. GRCh37 (hg19) VCF-style: chr12-57909115-G-T.
Other names: short protein forms G796V.
Identifiers: ClinVar variation 2682372 (VCV002682372.1), dbSNP rs779864313, ClinGen allele CA6650782.

ClinVar aggregate classification (germline): Uncertain significance (1 of 4 stars; one submission).

Allele frequency attached by ClinVar (database versions not stated): gnomAD exomes below 0.00001; ExAC 0.00001; gnomAD 0.00002; TOPMed 0.00002.
gnomAD v4.1: 8 of 1,612,206 alleles (0.0005%); highest among the groups gnomAD compares: African/African-American, 0.0093%; no homozygotes.

Submission:

Women's Health and Genetics/Laboratory Corporation of America, LabCorp
Classification: Uncertain significance. Last evaluated: 2023-11-07. Review status: criteria provided, single submitter. Criteria: LabCorp Variant Classification Summary - May 2015. Collection method: clinical testing. Allele origin: germline.
Comment: Variant summary: MARS1 c.2387G>T (p.Gly796Val) results in a non-conservative amino acid change in the encoded protein sequence. Four of five in-silico tools predict a damaging effect of the variant on protein function. The variant allele was found at a frequency of 1.4e-05 in 280492 control chromosomes (gnomAD). The available data on variant occurrences in the general population are insufficient to allow any conclusion about variant significance. To our knowledge, no occurrence of c.2387G>T in individuals affected with MARS1-Related Disorders and no experimental evidence demonstrating its impact on protein function have been reported. No submitters have cited clinical-significance assessments for this variant to ClinVar after 2014. Based on the evidence outlined above, the variant was classified as uncertain significance.